The following is an entry in ClinVar:

NM_003001.5(SDHC):c.350A>G (p.Lys117Arg)

Gene: SDHC (succinate dehydrogenase complex subunit C; plus strand). Cytogenetic location: 1q23.3.
Variant type: single nucleotide variant.
Coding change: c.350A>G on transcript NM_003001.5 (MANE Select); coding-DNA position 350, A replaced by G.
Protein change: p.Lys117Arg; replaces lysine 117 with arginine.
Molecular consequence: missense variant. On other transcripts: non-coding transcript variant (1), intron variant (3).
Genome position (GRCh38, 1-based): chr1:161,356,785, A>G. VCF-style: chr1-161356785-A-G. GRCh37 (hg19) VCF-style: chr1-161326575-A-G.
Other names: c.248A>G, p.Lys83Arg (NM_001035512.3); c.191A>G, p.Lys64Arg (NM_001035513.3); c.470A>G, p.Lys157Arg (NM_001407115.1); c.293A>G, p.Lys98Arg (NM_001407116.1); c.287A>G, p.Lys96Arg (NM_001407117.1); c.242A>G, p.Lys81Arg (NM_001407118.1); c.239A>G, p.Lys80Arg (NM_001407119.1, NM_001407120.1); c.242-5544A>G (NM_001035511.3); and 2 more; short protein forms K83R, K117R, K64R, K157R, K96R, K81R, K98R, K80R.
Identifiers: ClinVar variation 806263 (VCV000806263.21), dbSNP rs1571890337, ClinGen allele CA343456576.

ClinVar aggregate classification (germline): Uncertain significance. Review status: criteria provided, multiple submitters, no conflicts (2 of 4 stars). 3 submissions from 3 submitters: Uncertain significance (3). Last evaluated 2024-02-23.

Conditions:
Hereditary cancer-predisposing syndrome. Also called: Neoplastic Syndromes, Hereditary; Hereditary Cancer Syndrome; Hereditary neoplastic syndrome; Tumor predisposition. Identifiers: Orphanet 140162, MedGen C0027672, MeSH D009386, MONDO:0015356.
Gastrointestinal stromal tumor. Also called: Gastrointestinal stromal tumor, somatic; Gastrointestinal stroma tumor. Identifiers: Orphanet 44890, MedGen C0238198, MeSH D046152, MONDO:0011719, OMIM 606764, HP:0100723.
Pheochromocytoma/paraganglioma syndrome 3. Also called: SDHC-Related Hereditary Paraganglioma-Pheochromocytoma Syndrome (Paragangliomas 3); SDHC-Related Hereditary Paraganglioma-Pheochromocytoma Syndrome; Paragangliomas 3; GLOMUS TUMORS, FAMILIAL, 3. Identifiers: Orphanet 29072, MedGen C1854336, MONDO:0011544, OMIM 605373.

Submissions (3):

Ambry Genetics
Classification: Uncertain significance for Hereditary cancer-predisposing syndrome. Last evaluated: 2024-02-23. Review status: criteria provided, single submitter. Criteria: Ambry Variant Classification Scheme 2023. Collection method: clinical testing. Allele origin: germline.
Comment: The p.K117R variant (also known as c.350A>G), located in coding exon 5 of the SDHC gene, results from an A to G substitution at nucleotide position 350. The lysine at codon 117 is replaced by arginine, an amino acid with highly similar properties. This amino acid position is conserved. In addition, this alteration is predicted to be deleterious by in silico analysis. Based on the available evidence, the clinical significance of this alteration remains unclear.

Labcorp Genetics (formerly Invitae), Labcorp
Classification: Uncertain significance for Pheochromocytoma/paraganglioma syndrome 3; Gastrointestinal stromal tumor. Last evaluated: 2022-08-19. Review status: criteria provided, single submitter. Criteria: Invitae Variant Classification Sherloc (09022015). Collection method: clinical testing. Allele origin: germline.
Comment: In summary, the available evidence is currently insufficient to determine the role of this variant in disease. Therefore, it has been classified as a Variant of Uncertain Significance. Advanced modeling of protein sequence and biophysical properties (such as structural, functional, and spatial information, amino acid conservation, physicochemical variation, residue mobility, and thermodynamic stability) performed at Invitae indicates that this missense variant is expected to disrupt SDHC protein function. ClinVar contains an entry for this variant (Variation ID: 806263). This variant has not been reported in the literature in individuals affected with SDHC-related conditions. This variant is not present in population databases (gnomAD no frequency). This sequence change replaces lysine, which is basic and polar, with arginine, which is basic and polar, at codon 117 of the SDHC protein (p.Lys117Arg).

GeneDx
Classification: Uncertain significance. Last evaluated: 2019-04-26. Review status: criteria provided, single submitter. Criteria: GeneDx Variant Classification Process June 2021. Collection method: clinical testing. Allele origin: germline. Affected: yes.
Comment: Not observed in large population cohorts (Lek et al., 2016); Has not been previously published as pathogenic or benign to our knowledge